The following is an entry in ClinVar:

NM_015141.4(GPD1L):c.451G>A (p.Gly151Arg)

Gene: GPD1L (glycerol-3-phosphate dehydrogenase 1 like; plus strand). Cytogenetic location: 3p22.3.
Variant type: single nucleotide variant.
Coding change: c.451G>A on transcript NM_015141.4 (MANE Select); coding-DNA position 451, G replaced by A.
Protein change: p.Gly151Arg; replaces glycine 151 with arginine.
Molecular consequence: missense variant.
Genome position (GRCh38, 1-based): chr3:32,140,312, G>A. VCF-style: chr3-32140312-G-A. GRCh37 (hg19) VCF-style: chr3-32181804-G-A.
Other names: short protein forms G151R.
Identifiers: ClinVar variation 2772133 (VCV002772133.3), dbSNP rs1227197804, ClinGen allele CA351974831.
Genomic context (GRCh38, chr3:32,140,312, plus strand): 5'-CTGAAGCTCATTTCTGACATCATCCGTGAGAAGATGGGTATTGACATCAGTGTGCTGATG[G>A]GAGCCAACATTGCCAATGAGGTGGCTGCAGAGAAGTTCTGTGAGACCACCATCGGTAAGC-3'
Protein context (NP_055956.1, residues 141-161): KMGIDISVLM[Gly151Arg]ANIANEVAAE

ClinVar aggregate classification (germline): Uncertain significance (1 of 4 stars; one submission).

Conditions:
Brugada syndrome. Also called: Sudden unexpected nocturnal death syndrome; Sudden Unexplained Death Syndrome; Sudden Unexplained Nocturnal Death Syndrome (SUNDS); Sudden unexplained nocturnal death syndrome. Identifiers: Orphanet 130, MedGen C1142166, MONDO:0015263.

Submission:

Labcorp Genetics (formerly Invitae), Labcorp
Classification: Uncertain significance for Brugada syndrome. Last evaluated: 2023-02-10. Review status: criteria provided, single submitter. Criteria: Invitae Variant Classification Sherloc (09022015). Collection method: clinical testing. Allele origin: germline.
Comment: In summary, the available evidence is currently insufficient to determine the role of this variant in disease. Therefore, it has been classified as a Variant of Uncertain Significance. Advanced modeling of protein sequence and biophysical properties (such as structural, functional, and spatial information, amino acid conservation, physicochemical variation, residue mobility, and thermodynamic stability) performed at Invitae indicates that this missense variant is expected to disrupt GPD1L protein function. This variant has not been reported in the literature in individuals affected with GPD1L-related conditions. This variant is not present in population databases (gnomAD no frequency). This sequence change replaces glycine, which is neutral and non-polar, with arginine, which is basic and polar, at codon 151 of the GPD1L protein (p.Gly151Arg).